The following is an entry in ClinVar:

ClinVar aggregate classification (germline): Conflicting classifications of pathogenicity. Review status: criteria provided, conflicting classifications (1 of 4 stars). 10 submissions from 6 submitters: Uncertain significance (8); Benign (2). Last evaluated 2023-11-23.

Conditions:
Cardiovascular phenotype. Identifiers: MedGen CN230736.
Cardiomyopathy (CMYO). Also called: Cardiomyopathies. Identifiers: Orphanet 167848, MedGen C0878544, MONDO:0004994, HP:0001638. Inheritance: Various modes of inheritance.
Autosomal recessive limb-girdle muscular dystrophy type 2J (LGMDR10). Also called: Limb-girdle muscular dystrophy, type 2J; MUSCULAR DYSTROPHY, LIMB-GIRDLE, AUTOSOMAL RECESSIVE 10. Identifiers: Orphanet 140922, MedGen C1837342, MONDO:0012127, OMIM 608807.
Tibial muscular dystrophy (TMD). Also called: UDD MYOPATHY; Udd Distal Myopathy – Tibial Muscular Dystrophy; Tibial muscular dystrophy, tardive. Identifiers: Orphanet 609, MedGen C1838244, MONDO:0010870, OMIM 600334.
Myopathy, myofibrillar, 9, with early respiratory failure (MFM9). Also called: Hereditary myopathy with early respiratory failure; EDSTROM MYOPATHY; MYOPATHY, PROXIMAL, WITH EARLY RESPIRATORY MUSCLE INVOLVEMENT; Myopathy, distal, with early respiratory failure, autosomal dominant. Identifiers: Orphanet 178464, Orphanet 34521, MedGen C1863599, MONDO:0011362, OMIM 603689.
Dilated cardiomyopathy 1G (CMD1G). Identifiers: Orphanet 154, MedGen C1858763, MONDO:0011400, OMIM 604145.
Early-onset myopathy with fatal cardiomyopathy (CMYO5). Also called: Salih Myopathy; CONGENITAL MYOPATHY 5 WITH CARDIOMYOPATHY. Identifiers: Orphanet 289377, MedGen C2673677, MONDO:0012714, OMIM 611705. Disease mechanism: loss of function.

Allele frequency attached by ClinVar (database versions not stated): TOPMed 0.00004.
gnomAD v4.1: 37 of 1,613,314 alleles (0.0023%); highest among the groups gnomAD compares: Admixed American, 0.015%; 1 homozygote.

Submissions (10):

Revvity Omics, Revvity
Classification: Uncertain significance. Last evaluated: 2023-11-23. Review status: criteria provided, single submitter. Criteria: ACMG Guidelines, 2015. Collection method: clinical testing. Allele origin: germline.

CHEO Genetics Diagnostic Laboratory, Children's Hospital of Eastern Ontario
Classification: Uncertain significance for Cardiomyopathy. Last evaluated: 2020-04-23. Review status: criteria provided, single submitter. Criteria: ACMG Guidelines, 2015. Collection method: clinical testing. Allele origin: germline.

Ambry Genetics
Classification: Uncertain significance for Cardiovascular phenotype. Last evaluated: 2020-02-13. Review status: criteria provided, single submitter. Criteria: Ambry Variant Classification Scheme 2023. Collection method: clinical testing. Allele origin: germline.
Comment: The p.I17059N variant (also known as c.51176T>A), located in coding exon 153 of the TTN gene, results from a T to A substitution at nucleotide position 51176. The isoleucine at codon 17059 is replaced by asparagine, an amino acid with dissimilar properties. This amino acid position is not well conserved in available vertebrate species. In addition, this alteration is predicted to be tolerated by in silico analysis. Since supporting evidence is limited at this time, the clinical significance of this alteration remains unclear.

Illumina Laboratory Services, Illumina
Classification: Uncertain significance for Early-onset myopathy with fatal cardiomyopathy. Last evaluated: 2018-01-13. Review status: criteria provided, single submitter. Criteria: ICSL Variant Classification Criteria 13 December 2019. Collection method: clinical testing. Allele origin: germline.

Illumina Laboratory Services, Illumina
Classification: Uncertain significance for Dilated cardiomyopathy 1G. Last evaluated: 2018-01-13. Review status: criteria provided, single submitter. Criteria: ICSL Variant Classification Criteria 13 December 2019. Collection method: clinical testing. Allele origin: germline.

Illumina Laboratory Services, Illumina
Classification: Benign for Myopathy, myofibrillar, 9, with early respiratory failure. Last evaluated: 2018-01-13. Review status: criteria provided, single submitter. Criteria: ICSL Variant Classification Criteria 13 December 2019. Collection method: clinical testing. Allele origin: germline.
Comment: This variant was observed in the ICSL laboratory as part of a predisposition screen in an ostensibly healthy population. It had not been previously curated by ICSL or reported in the Human Gene Mutation Database (HGMD: prior to June 1st, 2018), and was therefore a candidate for classification through an automated scoring system. Utilizing variant allele frequency, disease prevalence and penetrance estimates, and inheritance mode, an automated score was calculated to assess if this variant is too frequent to cause the disease. Based on the score and internal cut-off values, a variant classified as benign is not then subjected to further curation. The score for this variant resulted in a classification of benign for this disease.

Illumina Laboratory Services, Illumina
Classification: Uncertain significance for Autosomal recessive limb-girdle muscular dystrophy type 2J. Last evaluated: 2018-01-13. Review status: criteria provided, single submitter. Criteria: ICSL Variant Classification Criteria 13 December 2019. Collection method: clinical testing. Allele origin: germline.

Illumina Laboratory Services, Illumina
Classification: Benign for Tibial muscular dystrophy. Last evaluated: 2018-01-13. Review status: criteria provided, single submitter. Criteria: ICSL Variant Classification Criteria 13 December 2019. Collection method: clinical testing. Allele origin: germline.
Comment: the same text as in the submission from Illumina Laboratory Services, Illumina above.

Labcorp Genetics (formerly Invitae), Labcorp
Classification: Uncertain significance for Dilated cardiomyopathy 1G; Autosomal recessive limb-girdle muscular dystrophy type 2J. Last evaluated: 2017-11-09. Review status: criteria provided, single submitter. Criteria: Invitae Variant Classification Sherloc (09022015). Collection method: clinical testing. Allele origin: germline.

Eurofins Ntd Llc (ga)
Classification: Uncertain significance. Last evaluated: 2015-10-12. Review status: criteria provided, single submitter. Criteria: EGL Classification Definitions 2015. Collection method: clinical testing. Allele origin: germline. Observed: 1 variant allele, 1 heterozygote.

NM_001267550.2(TTN):c.78371T>A (p.Ile26124Asn)

Genes: TTN (titin; minus strand), TTN-AS1 (TTN antisense RNA 1; plus strand). Cytogenetic location: 2q31.2.
Variant type: single nucleotide variant.
Coding change: c.78371T>A on transcript NM_001267550.2 (MANE Select); coding-DNA position 78371, T replaced by A.
Protein change: p.Ile26124Asn; replaces isoleucine 26124 with asparagine.
Molecular consequence: missense variant.
Genome position (GRCh38, 1-based): chr2:178,567,761, A>T on the plus strand (T>A on the coding strand, the complement: TTN is on the minus strand). VCF-style: chr2-178567761-A-T. GRCh37 (hg19) VCF-style: chr2-179432488-A-T.
Other names: c.73448T>A, p.Ile24483Asn (NM_001256850.1); c.51176T>A, p.Ile17059Asn (NM_003319.4); c.70667T>A, p.Ile23556Asn (NM_133378.4); c.51551T>A, p.Ile17184Asn (NM_133432.3); c.51752T>A, p.Ile17251Asn (NM_133437.4); short protein forms I23556N, I26124N, I17059N, I17184N, I24483N, I17251N.
Identifiers: ClinVar variation 284092 (VCV000284092.16), dbSNP rs778290450, ClinGen allele CA1989615.